The following is an entry in ClinVar:

ClinVar aggregate classification (germline): Uncertain significance (1 of 4 stars; one submission).

Allele frequency attached by ClinVar (database versions not stated): gnomAD exomes below 0.00001; TOPMed below 0.00001.
gnomAD v4.1: 2 of 1,599,554 alleles (0.00013%); highest among the groups gnomAD compares: Non-Finnish European, 0.00017%; no homozygotes.

Submission:

Labcorp Genetics (formerly Invitae), Labcorp
Classification: Uncertain significance. Last evaluated: 2019-11-28. Review status: criteria provided, single submitter. Criteria: Invitae Variant Classification Sherloc (09022015). Collection method: clinical testing. Allele origin: germline.
Comment: Nucleotide substitutions within the consensus splice site are a relatively common cause of aberrant splicing (PMID: 17576681, 9536098). Algorithms developed to predict the effect of sequence changes on RNA splicing suggest that this variant may disrupt the consensus splice site, but this prediction has not been confirmed by published transcriptional studies. In summary, the available evidence is currently insufficient to determine the role of this variant in disease. Therefore, it has been classified as a Variant of Uncertain Significance. This variant has not been reported in the literature in individuals with ADGRA3-related conditions. This variant is not present in population databases (ExAC no frequency). This sequence change falls in intron 14 of the ADGRA3 gene. It does not directly change the encoded amino acid sequence of the ADGRA3 protein, but it affects a nucleotide within the consensus splice site of the intron.

Literature cited by the submitters: PubMed 17576681; PubMed 9536098.

NM_145290.4(ADGRA3):c.2232+5G>T

Gene: ADGRA3 (adhesion G protein-coupled receptor A3; minus strand). Cytogenetic location: 4p15.2.
Variant type: single nucleotide variant.
Coding change: c.2232+5G>T on transcript NM_145290.4 (MANE Select); 5 bases into the intron after coding-DNA position 2232, G replaced by T.
Molecular consequence: intron variant.
Genome position (GRCh38, 1-based): chr4:22,413,177, C>A on the plus strand (G>T on the coding strand, the complement: ADGRA3 is on the minus strand). VCF-style: chr4-22413177-C-A. GRCh37 (hg19) VCF-style: chr4-22414800-C-A.
Identifiers: ClinVar variation 863589 (VCV000863589.7), dbSNP rs1715283831, ClinGen allele CA916082639.